The following is an entry in ClinVar:

NM_003489.4(NRIP1):c.23G>T (p.Gly8Val)

Gene: NRIP1 (nuclear receptor interacting protein 1; minus strand). Cytogenetic location: 21q11.2.
Variant type: single nucleotide variant.
Coding change: c.23G>T on transcript NM_003489.4 (MANE Select); coding-DNA position 23, G replaced by T.
Protein change: p.Gly8Val; replaces glycine 8 with valine.
Molecular consequence: missense variant.
Genome position (GRCh38, 1-based): chr21:14,968,170, C>A on the plus strand (G>T on the coding strand, the complement: NRIP1 is on the minus strand). VCF-style: chr21-14968170-C-A. GRCh37 (hg19) VCF-style: chr21-16340491-C-A.
Other names: short protein forms G8V.
Identifiers: ClinVar variation 2019030 (VCV002019030.4), dbSNP rs1451001748, ClinGen allele CA409833207.
Genomic context (GRCh38, chr21:14,968,170, plus strand): 5'-TGATGCATTAGTAATCCTTCTAGGTAAGTTAAAACAATAGAATCCTGGTGCACATCAGAG[C>A]CAAGCTCTTCTCCATGAGTCATGTTCAATAGAAGTGTTCACAAGGGCTTGGTTTCTATTC-3'
Protein context (NP_003480.2, residues 1-18): MTHGEEL[Gly8Val]SDVHQDSIVL

ClinVar aggregate classification (germline): Uncertain significance (1 of 4 stars; one submission).

Submission:

Labcorp Genetics (formerly Invitae), Labcorp
Classification: Uncertain significance. Last evaluated: 2022-07-23. Review status: criteria provided, single submitter. Criteria: Invitae Variant Classification Sherloc (09022015). Collection method: clinical testing. Allele origin: germline.
Comment: This variant is not present in population databases (gnomAD no frequency). This sequence change replaces glycine, which is neutral and non-polar, with valine, which is neutral and non-polar, at codon 8 of the NRIP1 protein (p.Gly8Val). This variant has not been reported in the literature in individuals affected with NRIP1-related conditions. Algorithms developed to predict the effect of missense changes on protein structure and function output the following: SIFT: "Deleterious"; PolyPhen-2: "Benign"; Align-GVGD: "Class C15". The valine amino acid residue is found in multiple mammalian species, which suggests that this missense change does not adversely affect protein function. In summary, the available evidence is currently insufficient to determine the role of this variant in disease. Therefore, it has been classified as a Variant of Uncertain Significance.